The following is an entry in ClinVar:

ClinVar aggregate classification (germline): Uncertain significance (1 of 4 stars; one submission).

Submission:

GeneDx
Classification: Uncertain significance. Last evaluated: 2026-02-10. Review status: criteria provided, single submitter. Criteria: GeneDx Variant Classification Process June 2021. Collection method: clinical testing. Allele origin: germline.
Comment: Not observed at significant frequency in large population cohorts (gnomAD); In silico analysis suggests that this missense variant does not alter protein structure/function; Has not been previously published as pathogenic or benign to our knowledge

NM_014727.3(KMT2B):c.437G>A (p.Gly146Asp)

Gene: KMT2B (lysine methyltransferase 2B; plus strand). Cytogenetic location: 19q13.12.
Variant type: single nucleotide variant.
Coding change: c.437G>A on transcript NM_014727.3 (MANE Select); coding-DNA position 437, G replaced by A.
Protein change: p.Gly146Asp; replaces glycine 146 with aspartic acid.
Molecular consequence: missense variant.
Genome position (GRCh38, 1-based): chr19:35,719,784, G>A. VCF-style: chr19-35719784-G-A. GRCh37 (hg19) VCF-style: chr19-36210686-G-A.
Other names: short protein forms G146D.
Identifiers: ClinVar variation 4976571 (VCV004976571.1).
Genomic context (GRCh38, chr19:35,719,784, plus strand): 5'-CGCCTTCCTCTGTGTGTAGGGCTGGCTTGATCCATCTCCCCACAACTATTCTCCTTTTAG[G>A]TCGAGCGCCCCGAGGTCGGGGTCGCAAGCATAAGACGACCCCCCTTCCTCCTCCTCGCCT-3'
Protein context (NP_055542.1, residues 136-156): SLRSALRSQR[Gly146Asp]RAPRGRGRKH